The following is an entry in ClinVar:

ClinVar aggregate classification (germline): Pathogenic (1 of 4 stars; one submission).

Conditions:
Autosomal recessive limb-girdle muscular dystrophy type 2O. Also called: Limb-Girdle Muscular Dystrophy Type 3C; MUSCULAR DYSTROPHY-DYSTROGLYCANOPATHY (LIMB-GIRDLE), TYPE C, 3; MUSCULAR DYSTROPHY-DYSTROGLYCANOPATHY, LIMB-GIRDLE, POMGNT1-RELATED. Identifiers: Orphanet 206564, MedGen C3150417, MONDO:0013161, OMIM 613157.
Muscular dystrophy-dystroglycanopathy (congenital with impaired intellectual development), type B, 3. Also called: MUSCULAR DYSTROPHY, CONGENITAL, POMGNT1-RELATED; Muscular dystrophy-dystroglycanopathy (congenital with intellectual disability), type B3. Identifiers: MedGen C3150412, MONDO:0013155, OMIM 613151.

Submission:

Labcorp Genetics (formerly Invitae), Labcorp
Classification: Pathogenic for Autosomal recessive limb-girdle muscular dystrophy type 2O; Muscular dystrophy-dystroglycanopathy (congenital with impaired intellectual development), type B, 3. Last evaluated: 2023-07-19. Review status: criteria provided, single submitter. Criteria: Invitae Variant Classification Sherloc (09022015). Collection method: clinical testing. Allele origin: germline.
Comment: For these reasons, this variant has been classified as Pathogenic. This variant has not been reported in the literature in individuals affected with POMGNT1-related conditions. This variant is not present in population databases (gnomAD no frequency). This sequence change creates a premature translational stop signal (p.Gln32*) in the POMGNT1 gene. It is expected to result in an absent or disrupted protein product. Loss-of-function variants in POMGNT1 are known to be pathogenic (PMID: 19299310, 20816175, 21447391, 26908613, 27391550).

Literature cited by the submitters: PubMed 19299310; PubMed 20816175; PubMed 21447391; PubMed 26908613; PubMed 27391550.

NM_017739.4(POMGNT1):c.94C>T (p.Gln32Ter)

Gene: POMGNT1 (protein O-linked mannose N-acetylglucosaminyltransferase 1 (beta 1,2-); minus strand). Cytogenetic location: 1p34.1.
Variant type: single nucleotide variant.
Coding change: c.94C>T on transcript NM_017739.4 (MANE Select); coding-DNA position 94, C replaced by T.
Protein change: p.Gln32Ter; replaces glutamine 32 with a stop codon.
Molecular consequence: nonsense.
Genome position (GRCh38, 1-based): chr1:46,197,728, G>A on the plus strand (C>T on the coding strand, the complement: POMGNT1 is on the minus strand). VCF-style: chr1-46197728-G-A. GRCh37 (hg19) VCF-style: chr1-46663400-G-A.
Other names: c.94C>T, p.Gln32Ter (NM_001243766.2, NM_001410783.1); short protein forms Q32*.
Identifiers: ClinVar variation 2950112 (VCV002950112.3), dbSNP rs2525475799, ClinGen allele CA340192699.
Genomic context (GRCh38, chr1:46,197,728, plus strand): 5'-CGCTCGGTGGGGAGGGTTTGGGACATCTCTATACCTGACAGAATCTCCGCAGGGCCCGCT[G>A]GTTTGTCAGTTTATACTTCCAGGTAAGGTACCAGCTCCGCTTCTTCCGAGCCCCAAAGGG-3'